The following is an entry in ClinVar:

NM_007186.6(CEP250):c.2992A>G (p.Ser998Gly)

Gene: CEP250 (centrosomal protein 250; plus strand). Cytogenetic location: 20q11.22.
Variant type: single nucleotide variant.
Coding change: c.2992A>G on transcript NM_007186.6 (MANE Select); coding-DNA position 2992, A replaced by G.
Protein change: p.Ser998Gly; replaces serine 998 with glycine.
Molecular consequence: missense variant.
Genome position (GRCh38, 1-based): chr20:35,493,531, A>G. VCF-style: chr20-35493531-A-G. GRCh37 (hg19) VCF-style: chr20-34081358-A-G.
Other names: c.1096A>G, p.Ser366Gly (NM_001318219.1); short protein forms S366G, S998G.
Identifiers: ClinVar variation 2044549 (VCV002044549.4), dbSNP rs552946753, ClinGen allele CA9833349.

ClinVar aggregate classification (germline): Uncertain significance (1 of 4 stars; one submission).

Allele frequency attached by ClinVar (database versions not stated): TOPMed below 0.00001; gnomAD 0.00001; gnomAD exomes 0.00002; ExAC 0.00007; 1000 Genomes Project 30x 0.00016; 1000 Genomes Project 0.00020.
gnomAD v4.1: 35 of 1,601,538 alleles (0.0022%); highest among the groups gnomAD compares: South Asian, 0.039%; 2 homozygotes.

Submission:

Labcorp Genetics (formerly Invitae), Labcorp
Classification: Uncertain significance. Last evaluated: 2022-02-22. Review status: criteria provided, single submitter. Criteria: Invitae Variant Classification Sherloc (09022015). Collection method: clinical testing. Allele origin: germline.
Comment: This variant is present in population databases (rs552946753, gnomAD 0.05%). This sequence change replaces serine, which is neutral and polar, with glycine, which is neutral and non-polar, at codon 998 of the CEP250 protein (p.Ser998Gly). This variant has not been reported in the literature in individuals affected with CEP250-related conditions. In summary, the available evidence is currently insufficient to determine the role of this variant in disease. Therefore, it has been classified as a Variant of Uncertain Significance. Algorithms developed to predict the effect of missense changes on protein structure and function output the following: SIFT: "Not Available"; PolyPhen-2: "Benign"; Align-GVGD: "Not Available". The glycine amino acid residue is found in multiple mammalian species, which suggests that this missense change does not adversely affect protein function.